The following is an entry in ClinVar:

ClinVar aggregate classification (germline): Pathogenic (1 of 4 stars; one submission).

Conditions:
Familial cancer of breast. Also called: hereditary breast carcinoma; BREAST CANCER, FAMILIAL; Hereditary breast cancer. Identifiers: Orphanet 227535, MedGen C0346153, MONDO:0016419, OMIM 114480. Disease mechanism: loss of function.

Submission:

Myriad Genetics, Inc.
Classification: Pathogenic for Familial cancer of breast. Last evaluated: 2024-01-30. Review status: criteria provided, single submitter. Criteria: Myriad Autosomal Dominant, Autosomal Recessive and X-Linked Classification Criteria (2023). Collection method: clinical testing. Allele origin: unknown.
Comment: This variant is considered pathogenic. This variant creates a frameshift predicted to result in premature protein truncation.

NM_000051.4(ATM):c.7015_7031del (p.Arg2339fs)

Genes: ATM (ATM serine/threonine kinase; plus strand), C11orf65 (chromosome 11 open reading frame 65; minus strand). Cytogenetic location: 11q22.3.
Variant type: Deletion.
Coding change: c.7015_7031del on transcript NM_000051.4 (MANE Select); coding-DNA positions 7015 to 7031, 17 bases deleted (AGGGTTTGTGGCAACTG).
Protein change: p.Arg2339fs; shifts the reading frame from arginine 2339.
Molecular consequence: frameshift variant. On other transcripts: intron variant (2).
Genome position (GRCh38, 1-based): chr11:108,327,684-108,327,700, AGGGTTTGTGGCAACTG deleted; deleting any 17 consecutive bases within chr11:108,327,681-108,327,700 gives the same sequence; the c. name uses the placement nearest the transcript's 3' end. VCF-style (leftmost placement, unchanged base first): chr11-108327680-TCTGAGGGTTTGTGGCAA-T. GRCh37 (hg19) VCF-style: chr11-108198407-TCTGAGGGTTTGTGGCAA-T.
Other names: c.7015_7031del, p.Arg2339fs (NM_001351834.2); c.641-18626_641-18610del (NM_001330368.2); c.*38+7523_*38+7539del (NM_001351110.2); short protein forms R2339fs.
Identifiers: ClinVar variation 3148520 (VCV003148520.1), dbSNP rs2547232303, ClinGen allele CA2825001940.